The following is an entry in ClinVar:

NM_000203.5(IDUA):c.1349C>G (p.Pro450Arg)

Gene: IDUA (alpha-L-iduronidase; plus strand). Cytogenetic location: 4p16.3.
Variant type: single nucleotide variant.
Coding change: c.1349C>G on transcript NM_000203.5 (MANE Select); coding-DNA position 1349, C replaced by G.
Protein change: p.Pro450Arg; replaces proline 450 with arginine.
Molecular consequence: missense variant. On other transcripts: non-coding transcript variant (1).
Genome position (GRCh38, 1-based): chr4:1,002,891, C>G. VCF-style: chr4-1002891-C-G. GRCh37 (hg19) VCF-style: chr4-996679-C-G.
Other names: c.1349C>G (NM_000203.3); c.953C>G, p.Pro318Arg (NM_001363576.1); short protein forms P318R, P450R.
Identifiers: ClinVar variation 648771 (VCV000648771.8), dbSNP rs895626490, ClinGen allele CA91170076.

ClinVar aggregate classification (germline): Uncertain significance. Review status: criteria provided, multiple submitters, no conflicts (2 of 4 stars). 4 submissions from 4 submitters: Uncertain significance (2). 2 of the submissions do not count toward it. Last evaluated 2022-08-19.

Conditions:
IDUA-related disorder. Also called: IDUA-related condition.
Mucopolysaccharidosis type 1. Also called: IDUA deficiency; MPS I. Identifiers: Orphanet 579, MedGen C0023786, MONDO:0001586.

Allele frequency attached by ClinVar (database versions not stated): TOPMed 0.00006; 1000 Genomes Project 30x 0.00016.
gnomAD v4.1: 104 of 1,424,264 alleles (0.0073%); highest among the groups gnomAD compares: Non-Finnish European, 0.0087%; no homozygotes.

Submissions (4):

Labcorp Genetics (formerly Invitae), Labcorp
Classification: Uncertain significance for Mucopolysaccharidosis type 1. Last evaluated: 2022-08-19. Review status: criteria provided, single submitter. Criteria: Invitae Variant Classification Sherloc (09022015). Collection method: clinical testing. Allele origin: germline.
Comment: This sequence change replaces proline, which is neutral and non-polar, with arginine, which is basic and polar, at codon 450 of the IDUA protein (p.Pro450Arg). This variant is present in population databases (no rsID available, gnomAD 0.01%). This variant has not been reported in the literature in individuals affected with IDUA-related conditions. ClinVar contains an entry for this variant (Variation ID: 648771). Advanced modeling of protein sequence and biophysical properties (such as structural, functional, and spatial information, amino acid conservation, physicochemical variation, residue mobility, and thermodynamic stability) performed at Invitae indicates that this missense variant is not expected to disrupt IDUA protein function. In summary, the available evidence is currently insufficient to determine the role of this variant in disease. Therefore, it has been classified as a Variant of Uncertain Significance.

Revvity Omics, Revvity
Classification: Uncertain significance. Last evaluated: 2019-08-05. Review status: criteria provided, single submitter. Criteria: ACMG Guidelines, 2015. Collection method: clinical testing. Allele origin: germline.

PreventionGenetics, part of Exact Sciences
Classification: Uncertain significance for IDUA-related condition. Last evaluated: 2024-02-05. Review status: no assertion criteria provided. Collection method: clinical testing. Allele origin: germline. Not counted in ClinVar's aggregate classification.
Comment: The IDUA c.1349C>G variant is predicted to result in the amino acid substitution p.Pro450Arg. To our knowledge, this variant has not been reported in the literature. This variant is reported in 0.011% of alleles in individuals of African descent in gnomAD. At this time, the clinical significance of this variant is uncertain due to the absence of conclusive functional and genetic evidence.

Natera, Inc.
Classification: Uncertain significance for Mucopolysaccharidosis type I. Last evaluated: 2020-09-16. Review status: no assertion criteria provided. Collection method: clinical testing. Allele origin: germline. Not counted in ClinVar's aggregate classification.